The following is an entry in ClinVar:

NM_000059.4(BRCA2):c.6016A>G (p.Ser2006Gly)

Gene: BRCA2 (BRCA2 DNA repair associated; plus strand). Cytogenetic location: 13q13.1.
Variant type: single nucleotide variant.
Coding change: c.6016A>G on transcript NM_000059.4 (MANE Select); coding-DNA position 6016, A replaced by G.
Protein change: p.Ser2006Gly; replaces serine 2006 with glycine.
Molecular consequence: missense variant.
Genome position (GRCh38, 1-based): chr13:32,340,371, A>G. VCF-style: chr13-32340371-A-G. GRCh37 (hg19) VCF-style: chr13-32914508-A-G.
Other names: short protein forms S2006G.
Identifiers: ClinVar variation 1370616 (VCV001370616.9), dbSNP rs2072544288, ClinGen allele CA387787727.

ClinVar aggregate classification (germline): Conflicting classifications of pathogenicity. Review status: criteria provided, conflicting classifications (1 of 4 stars). 3 submissions from 3 submitters: Uncertain significance (2); Likely benign (1). Last evaluated 2025-11-03.

Conditions:
Hereditary cancer-predisposing syndrome. Also called: Neoplastic Syndromes, Hereditary; Tumor predisposition; Hereditary neoplastic syndrome; Hereditary Cancer Syndrome. Identifiers: Orphanet 140162, MedGen C0027672, MeSH D009386, MONDO:0015356.
Hereditary breast ovarian cancer syndrome. Also called: BRCA1- and BRCA2-Associated Hereditary Breast and Ovarian Cancer; Hereditary breast and ovarian cancer; Hereditary breast and ovarian cancer syndrome; Hereditary breast and/or ovarian cancer syndrome; Hereditary breast and ovarian cancer syndrome (HBOC); Breast and ovarian cancer. Identifiers: Orphanet 145, MedGen C0677776, MeSH D061325, MONDO:0003582. Disease mechanism: loss of function.

Allele frequency attached by ClinVar (database versions not stated): gnomAD exomes below 0.00001.
gnomAD v4.1: 1 of 1,613,986 alleles (0.000062%); highest among the groups gnomAD compares: East Asian, 0.0022%; no homozygotes.

Submissions (3):

Labcorp Genetics (formerly Invitae), Labcorp
Classification: Uncertain significance for Hereditary breast ovarian cancer syndrome. Last evaluated: 2025-11-03. Review status: criteria provided, single submitter. Criteria: Invitae Variant Classification Sherloc (09022015). Collection method: clinical testing. Allele origin: germline.
Comment: This sequence change replaces serine, which is neutral and polar, with glycine, which is neutral and non-polar, at codon 2006 of the BRCA2 protein (p.Ser2006Gly). This variant is not present in population databases (gnomAD no frequency). This variant has not been reported in the literature in individuals affected with BRCA2-related conditions. ClinVar contains an entry for this variant (Variation ID: 1370616). Invitae Evidence Modeling of protein sequence and biophysical properties (such as structural, functional, and spatial information, amino acid conservation, physicochemical variation, residue mobility, and thermodynamic stability) indicates that this missense variant is not expected to disrupt BRCA2 protein function with a negative predictive value of 95%. In summary, the available evidence is currently insufficient to determine the role of this variant in disease. Therefore, it has been classified as a Variant of Uncertain Significance.

University of Washington Department of Laboratory Medicine, University of Washington
Classification: Likely benign for Hereditary cancer-predisposing syndrome. Last evaluated: 2023-03-23. Review status: criteria provided, single submitter. Criteria: Dines et al. (Genet Med. 2020). Collection method: curation. Allele origin: germline.
Comment: Missense variant in a coldspot region where missense variants are very unlikely to be pathogenic (PMID:31911673).

BRCA2 exon 11 coldspot. Reclassification based on statistical prior probability.

Ambry Genetics
Classification: Uncertain significance for Hereditary cancer-predisposing syndrome. Last evaluated: 2021-11-22. Review status: criteria provided, single submitter. Criteria: Ambry Variant Classification Scheme 2023. Collection method: clinical testing. Allele origin: germline.
Comment: The p.S2006G variant (also known as c.6016A>G), located in coding exon 10 of the BRCA2 gene, results from an A to G substitution at nucleotide position 6016. The serine at codon 2006 is replaced by glycine, an amino acid with similar properties. This amino acid position is conserved. In addition, this alteration is predicted to be tolerated by in silico analysis. Since supporting evidence is limited at this time, the clinical significance of this alteration remains unclear.